The following is an entry in ClinVar:

NM_033453.4(ITPA):c.211G>C (p.Glu71Gln)

Gene: ITPA (inosine triphosphatase; plus strand). Cytogenetic location: 20p13.
Variant type: single nucleotide variant.
Coding change: c.211G>C on transcript NM_033453.4 (MANE Select); coding-DNA position 211, G replaced by C.
Protein change: p.Glu71Gln; replaces glutamic acid 71 with glutamine.
Molecular consequence: missense variant. On other transcripts: 5 prime UTR variant (4), non-coding transcript variant (2).
Genome position (GRCh38, 1-based): chr20:3,214,006, G>C. VCF-style: chr20-3214006-G-C. GRCh37 (hg19) VCF-style: chr20-3194652-G-C.
Other names: c.88G>C, p.Glu30Gln (NM_001267623.2); c.-127G>C (NM_001324236.2, NM_001324237.2, NM_001324238.2 and 1 more transcripts); c.211G>C, p.Glu71Gln (NM_001324240.2); c.160G>C, p.Glu54Gln (NM_181493.4); short protein forms E71Q, E30Q, E54Q.
Identifiers: ClinVar variation 430240 (VCV000430240.2), dbSNP rs1131691851, ClinGen allele CA408077552.
Genomic context (GRCh38, chr20:3,214,006, plus strand): 5'-TGATCATGGGTCTCAGGGCTGTATGTCTTTGTGCTGCAGGTACAGGGGCCCGTGCTGGTT[G>C]AGGACACTTGTCTGTGCTTCAATGCCCTTGGAGGGCTCCCCGGCCCCTACATGTGAGTGA-3'
Protein context (NP_258412.1, residues 61-81): VRQVQGPVLV[Glu71Gln]DTCLCFNALG

ClinVar aggregate classification (germline): Uncertain significance (1 of 4 stars; one submission).

Submission:

GeneDx
Classification: Uncertain significance. Last evaluated: 2018-08-23. Review status: criteria provided, single submitter. Criteria: GeneDx Variant Classification (06012015). Collection method: clinical testing. Allele origin: germline. Affected: yes.
Comment: The E71Q variant in the ITPA gene has not been reported previously as a pathogenic variant, nor as a benign variant, to our knowledge. This variant is not observed in large population cohorts (Lek et al., 2016; 1000 Genomes Consortium et al., 2015; Exome Variant Server). The E71Q variant is a semi-conservative amino acid substitution, which may impact secondary protein structure as these residues differ in some properties. This substitution occurs at a position that is conserved across species. In silico analysis predicts this variant is probably damaging to the protein structure/function. We interpret E71Q as a variant of uncertain significance.